The following is an entry in ClinVar:

ClinVar aggregate classification (germline): Uncertain significance. Review status: criteria provided, multiple submitters, no conflicts (2 of 4 stars). 2 submissions from 2 submitters: Uncertain significance (2). Last evaluated 2025-07-14.

Conditions:
Cardiomyopathy (CMYO). Also called: Cardiomyopathies. Identifiers: Orphanet 167848, MedGen C0878544, MONDO:0004994, HP:0001638. Inheritance: Various modes of inheritance.
Catecholaminergic polymorphic ventricular tachycardia 1. Also called: RYR2-Related Catecholaminergic Polymorphic Ventricular Tachycardia; VENTRICULAR TACHYCARDIA, CATECHOLAMINERGIC POLYMORPHIC, 1, WITH OR WITHOUT ATRIAL DYSFUNCTION AND/OR DILATED CARDIOMYOPATHY; VENTRICULAR TACHYCARDIA, STRESS-INDUCED POLYMORPHIC 1. Identifiers: Orphanet 3286, MedGen C1631597, MONDO:0011484, OMIM 604772.

Allele frequency attached by ClinVar (database versions not stated): TOPMed below 0.00001; gnomAD 0.00001.
gnomAD v4.1: 2 of 1,613,716 alleles (0.00012%); highest among the groups gnomAD compares: Non-Finnish European, 0.00017%; no homozygotes.

Submissions (2):

Labcorp Genetics (formerly Invitae), Labcorp
Classification: Uncertain significance for Catecholaminergic polymorphic ventricular tachycardia 1. Last evaluated: 2025-07-14. Review status: criteria provided, single submitter. Criteria: Invitae Variant Classification Sherloc (09022015). Collection method: clinical testing. Allele origin: germline.
Comment: This sequence change replaces histidine, which is basic and polar, with proline, which is neutral and non-polar, at codon 4296 of the RYR2 protein (p.His4296Pro). This variant is not present in population databases (gnomAD no frequency). This variant has not been reported in the literature in individuals affected with RYR2-related conditions. ClinVar contains an entry for this variant (Variation ID: 937585). Invitae Evidence Modeling of protein sequence and biophysical properties (such as structural, functional, and spatial information, amino acid conservation, physicochemical variation, residue mobility, and thermodynamic stability) indicates that this missense variant is not expected to disrupt RYR2 protein function with a negative predictive value of 95%. In summary, the available evidence is currently insufficient to determine the role of this variant in disease. Therefore, it has been classified as a Variant of Uncertain Significance.

Color Diagnostics, LLC DBA Color Health
Classification: Uncertain significance for Cardiomyopathy. Last evaluated: 2025-06-23. Review status: criteria provided, single submitter. Criteria: ACMG Guidelines, 2015. Collection method: clinical testing. Allele origin: germline.
Comment: This missense variant replaces histidine with proline at codon 4296 of the RYR2 protein. Computational prediction is inconclusive regarding the impact of this variant on protein structure and function. To our knowledge, functional studies have not been reported for this variant. This variant has not been reported in individuals affected with RYR2-related disorders in the literature. This variant has not been identified in the general population by the Genome Aggregation Database (gnomAD). The available evidence is insufficient to determine the role of this variant in disease conclusively. Therefore, this variant is classified as a Variant of Uncertain Significance.

NM_001035.3(RYR2):c.12887A>C (p.His4296Pro)

Genes: RYR2 (ryanodine receptor 2; plus strand), LOC126806068 (BRD4-independent group 4 enhancer GRCh37_chr1:237947411-237948610; plus strand). Cytogenetic location: 1q43.
Variant type: single nucleotide variant.
Coding change: c.12887A>C on transcript NM_001035.3 (MANE Select); coding-DNA position 12887, A replaced by C.
Protein change: p.His4296Pro; replaces histidine 4296 with proline.
Molecular consequence: missense variant.
Genome position (GRCh38, 1-based): chr1:237,784,599, A>C. VCF-style: chr1-237784599-A-C. GRCh37 (hg19) VCF-style: chr1-237947899-A-C.
Other names: short protein forms H4296P.
Identifiers: ClinVar variation 937585 (VCV000937585.11), dbSNP rs1695398009, ClinGen allele CA345414583.